The following is an entry in ClinVar:

NM_006231.4(POLE):c.5495T>C (p.Leu1832Pro)

Gene: POLE (DNA polymerase epsilon, catalytic subunit; minus strand). Cytogenetic location: 12q24.33.
Variant type: single nucleotide variant.
Coding change: c.5495T>C on transcript NM_006231.4 (MANE Select); coding-DNA position 5495, T replaced by C.
Protein change: p.Leu1832Pro; replaces leucine 1832 with proline.
Molecular consequence: missense variant.
Genome position (GRCh38, 1-based): chr12:132,639,182, A>G on the plus strand (T>C on the coding strand, the complement: POLE is on the minus strand). VCF-style: chr12-132639182-A-G. GRCh37 (hg19) VCF-style: chr12-133215768-A-G.
Other names: short protein forms L1832P.
Identifiers: ClinVar variation 1747873 (VCV001747873.2), dbSNP rs2138509201, ClinGen allele CA387374651.
Genomic context (GRCh38, chr12:132,639,182, plus strand): 5'-CACTGCAGGAAGAGCTTCTTCATCATGTTGTGGAGTGTGCGGTGCAGGGCAGGGTCATGA[A>G]GCAGAGAGGATGGCGACCGAAGCCAGCGGTAGAAGTGCATCACCTGGTTGTCTGCATAGA-3'
Protein context (NP_006222.2, residues 1822-1842): YRWLRSPSSL[Leu1832Pro]HDPALHRTLH

ClinVar aggregate classification (germline): Uncertain significance (1 of 4 stars; one submission).

Conditions:
Hereditary cancer-predisposing syndrome. Also called: Hereditary Cancer Syndrome; Hereditary neoplastic syndrome; Neoplastic Syndromes, Hereditary; Tumor predisposition. Identifiers: Orphanet 140162, MedGen C0027672, MeSH D009386, MONDO:0015356.

Submission:

Ambry Genetics
Classification: Uncertain significance for Hereditary cancer-predisposing syndrome. Last evaluated: 2022-08-16. Review status: criteria provided, single submitter. Criteria: Ambry Variant Classification Scheme 2023. Collection method: clinical testing. Allele origin: germline.
Comment: The p.L1832P variant (also known as c.5495T>C), located in coding exon 40 of the POLE gene, results from a T to C substitution at nucleotide position 5495. The leucine at codon 1832 is replaced by proline, an amino acid with similar properties. This amino acid position is conserved. In addition, this alteration is predicted to be deleterious by in silico analysis. Since supporting evidence is limited at this time, the clinical significance of this alteration remains unclear.